The following is an entry in ClinVar:

ClinVar aggregate classification (germline): Uncertain significance (1 of 4 stars; one submission).

Conditions:
Primary ciliary dyskinesia. Also called: Ciliary dyskinesia. Identifiers: Orphanet 244, MedGen C0008780, MONDO:0016575, HP:0012265.

Submission:

Labcorp Genetics (formerly Invitae), Labcorp
Classification: Uncertain significance for Primary ciliary dyskinesia. Last evaluated: 2022-11-23. Review status: criteria provided, single submitter. Criteria: Invitae Variant Classification Sherloc (09022015). Collection method: clinical testing. Allele origin: germline.
Comment: Advanced modeling of protein sequence and biophysical properties (such as structural, functional, and spatial information, amino acid conservation, physicochemical variation, residue mobility, and thermodynamic stability) has been performed at Invitae for this missense variant, however the output from this modeling did not meet the statistical confidence thresholds required to predict the impact of this variant on DNAH5 protein function. This variant has not been reported in the literature in individuals affected with DNAH5-related conditions. This variant is not present in population databases (gnomAD no frequency). This sequence change replaces leucine, which is neutral and non-polar, with proline, which is neutral and non-polar, at codon 4411 of the DNAH5 protein (p.Leu4411Pro). In summary, the available evidence is currently insufficient to determine the role of this variant in disease. Therefore, it has been classified as a Variant of Uncertain Significance.

NM_001369.3(DNAH5):c.13232T>C (p.Leu4411Pro)

Gene: DNAH5 (dynein axonemal heavy chain 5; minus strand). Cytogenetic location: 5p15.2.
Variant type: single nucleotide variant.
Coding change: c.13232T>C on transcript NM_001369.3 (MANE Select); coding-DNA position 13232, T replaced by C.
Protein change: p.Leu4411Pro; replaces leucine 4411 with proline.
Molecular consequence: missense variant.
Genome position (GRCh38, 1-based): chr5:13,708,229, A>G on the plus strand (T>C on the coding strand, the complement: DNAH5 is on the minus strand). VCF-style: chr5-13708229-A-G. GRCh37 (hg19) VCF-style: chr5-13708338-A-G.
Other names: short protein forms L4411P.
Identifiers: ClinVar variation 2815900 (VCV002815900.3), dbSNP rs2546487306, ClinGen allele CA359197125.
Genomic context (GRCh38, chr5:13,708,229, plus strand): 5'-GCATCTCGCAGATTTTCGCTCATGATGATGGTGCCATCAATAGCAAGTTTCAGCTCAGTG[A>G]GGGTGCTGCGGACAAGGCTGAGTACCCTTTGCATTCTGTCTATTTCCTGCCTGAGGAAAA-3'
Protein context (NP_001360.1, residues 4401-4421): QRVLSLVRST[Leu4411Pro]TELKLAIDGT